The following is an entry in ClinVar:

ClinVar aggregate classification (germline): Uncertain significance (1 of 4 stars; one submission).

gnomAD v4.1: 20 of 1,613,516 alleles (0.0012%); highest among the groups gnomAD compares: East Asian, 0.0022%; no homozygotes.

Submission:

GeneDx
Classification: Uncertain significance. Last evaluated: 2025-05-05. Review status: criteria provided, single submitter. Criteria: GeneDx Variant Classification Process June 2021. Collection method: clinical testing. Allele origin: germline. Affected: yes.
Comment: In silico analysis supports that this missense variant has a deleterious effect on protein structure/function; Has not been previously published as pathogenic or benign to our knowledge

NM_004667.6(HERC2):c.5072C>T (p.Ala1691Val)

Gene: HERC2 (HECT and RLD domain containing E3 ubiquitin protein ligase 2; minus strand). Cytogenetic location: 15q13.1.
Variant type: single nucleotide variant.
Coding change: c.5072C>T on transcript NM_004667.6 (MANE Select); coding-DNA position 5072, C replaced by T.
Protein change: p.Ala1691Val; replaces alanine 1691 with valine.
Molecular consequence: missense variant.
Genome position (GRCh38, 1-based): chr15:28,229,508, G>A on the plus strand (C>T on the coding strand, the complement: HERC2 is on the minus strand). VCF-style: chr15-28229508-G-A. GRCh37 (hg19) VCF-style: chr15-28474654-G-A.
Other names: short protein forms A1691V.
Identifiers: ClinVar variation 3372035 (VCV003372035.2).